The following is an entry in ClinVar:

ClinVar aggregate classification (germline): Pathogenic/Likely pathogenic. Review status: criteria provided, multiple submitters, no conflicts (2 of 4 stars). 2 submissions from 2 submitters: Pathogenic (1); Likely pathogenic (1). Last evaluated 2025-10-21.

Conditions:
Primary ciliary dyskinesia 3. Identifiers: Orphanet 244, MedGen C1837618, MONDO:0012085, OMIM 608644.
Primary ciliary dyskinesia. Also called: Ciliary dyskinesia. Identifiers: Orphanet 244, MedGen C0008780, MONDO:0016575, HP:0012265.

Allele frequency attached by ClinVar (database versions not stated): gnomAD exomes below 0.00001.
gnomAD v4.1: 1 of 1,612,142 alleles (0.000062%); highest among the groups gnomAD compares: Admixed American, 0.0017%; no homozygotes.

Submissions (2):

Labcorp Genetics (formerly Invitae), Labcorp
Classification: Likely pathogenic for Primary ciliary dyskinesia. Last evaluated: 2025-10-21. Review status: criteria provided, single submitter. Criteria: Invitae Variant Classification Sherloc (09022015). Collection method: clinical testing. Allele origin: germline.
Comment: This sequence change affects a donor splice site in intron 25 of the DNAH5 gene. It is expected to disrupt RNA splicing. Variants that disrupt the donor or acceptor splice site typically lead to a loss of protein function (PMID: 16199547), and loss-of-function variants in DNAH5 are known to be pathogenic (PMID: 11788826, 16627867). This variant is not present in population databases (gnomAD no frequency). Disruption of this splice site has been observed in individual(s) with clinical features of primary ciliary dyskinesia (internal data). ClinVar contains an entry for this variant (Variation ID: 1490579). Algorithms developed to predict the effect of sequence changes on RNA splicing suggest that this variant may disrupt the consensus splice site. In summary, the currently available evidence indicates that the variant is pathogenic, but additional data are needed to prove that conclusively. Therefore, this variant has been classified as Likely Pathogenic.

Mendelics
Classification: Pathogenic for Primary ciliary dyskinesia 3. Last evaluated: 2022-05-04. Review status: criteria provided, single submitter. Criteria: Mendelics Assertion Criteria 2019. Collection method: clinical testing. Allele origin: germline.

Literature cited by the submitters: PubMed 16199547 (cited by Labcorp Genetics (formerly Invitae), Labcorp); PubMed 11788826 (cited by Labcorp Genetics (formerly Invitae), Labcorp); PubMed 16627867 (cited by Labcorp Genetics (formerly Invitae), Labcorp).

NM_001369.3(DNAH5):c.4053+1G>A

Genes: DNAH5 (dynein axonemal heavy chain 5; minus strand), DNAH5-AS1 (DNAH5 antisense RNA 1; plus strand). Cytogenetic location: 5p15.2.
Variant type: single nucleotide variant.
Coding change: c.4053+1G>A on transcript NM_001369.3 (MANE Select); the canonical splice donor site of the intron after coding-DNA position 4053, G replaced by A.
Molecular consequence: splice donor variant.
Genome position (GRCh38, 1-based): chr5:13,867,773, C>T on the plus strand (G>A on the coding strand, the complement: DNAH5 is on the minus strand). VCF-style: chr5-13867773-C-T. GRCh37 (hg19) VCF-style: chr5-13867882-C-T.
Identifiers: ClinVar variation 1490579 (VCV001490579.7), dbSNP rs1060501466, ClinGen allele CA359227881.